The following is an entry in ClinVar:

ClinVar aggregate classification (germline): Uncertain significance (1 of 4 stars; one submission).

Conditions:
Dilated cardiomyopathy 1W (CMD1W). Identifiers: Orphanet 154, MedGen C1969639, MONDO:0012667, OMIM 611407.

Submission:

Victorian Clinical Genetics Services, Murdoch Childrens Research Institute
Classification: Uncertain significance for Dilated cardiomyopathy 1W. Last evaluated: 2022-02-02. Review status: criteria provided, single submitter. Criteria: ACMG Guidelines, 2015. Collection method: clinical testing. Allele origin: germline. Inheritance: Autosomal dominant inheritance. Affected: yes.
Comment: Based on the classification scheme VCGS_Germline_v1.3.4, this variant is classified as VUS-3B. Following criteria are met: 0105 - The mechanism of disease for this gene is not clearly established. However, null variants have been reported in patients and therefore loss-of-function is speculated (PMID: 32516855). (I) 0107 - This gene is associated with autosomal dominant disease. (I) 0112 - The condition associated with this gene has incomplete penetrance. Asymptomatic carriers have been reported in families with null variants (PMID: 32516855). (I) 0200 - Variant is predicted to result in a missense amino acid change from glutamic acid to lysine. (I) 0251 - This variant is heterozygous. (I) 0301 - Variant is absent from gnomAD (both v2 and v3). (SP) 0502 - Missense variant with conflicting in silico predictions and uninformative conservation. (I) 0604 - Variant is not located in an established domain, motif, hotspot or informative constraint region. (I) 0705 - No comparable missense variants have previous evidence for pathogenicity. (I) 0807 - This variant has no previous evidence of pathogenicity. (I) 0905 - No published segregation evidence has been identified for this variant. (I) 1007 - No published functional evidence has been identified for this variant. (I) 1208 - Inheritance information for this variant is not currently available in this individual. (I) Legend: (SP) - Supporting pathogenic, (I) - Information, (SB) - Supporting benign

Literature cited by the submitters: PubMed 32516855.

NM_014000.3(VCL):c.2119G>A (p.Glu707Lys)

Gene: VCL (vinculin; plus strand). Cytogenetic location: 10q22.2.
Variant type: single nucleotide variant.
Coding change: c.2119G>A on transcript NM_014000.3 (MANE Select); coding-DNA position 2119, G replaced by A.
Protein change: p.Glu707Lys; replaces glutamic acid 707 with lysine.
Molecular consequence: missense variant.
Genome position (GRCh38, 1-based): chr10:74,103,916, G>A. VCF-style: chr10-74103916-G-A. GRCh37 (hg19) VCF-style: chr10-75863674-G-A.
Other names: c.2119G>A, p.Glu707Lys (NM_003373.4); short protein forms E707K.
Identifiers: ClinVar variation 1805080 (VCV001805080.1), dbSNP rs2549231580, ClinGen allele CA377261424.
Genomic context (GRCh38, chr10:74,103,916, plus strand): 5'-GGAAATCAAGCTGCTTATGAACATTTTGAGACCATGAAGAACCAGTGGATCGATAATGTT[G>A]AAAAAATGACAGGTAGAGTTTTCTATACAAATCTTGTTGTCTAATCCATGAAGAATGAGT-3'
Protein context (NP_054706.1, residues 697-717): TMKNQWIDNV[Glu707Lys]KMTGLVDEAI